The following is an entry in ClinVar:

NM_001356.5(DDX3X):c.1864del (p.Arg622fs)

Gene: DDX3X (DEAD-box helicase 3 X-linked; plus strand). Cytogenetic location: Xp11.4.
Variant type: Deletion.
Coding change: c.1864del on transcript NM_001356.5 (MANE Select); coding-DNA position 1864, one base deleted (C; older notation c.1864delC).
Protein change: p.Arg622fs; shifts the reading frame from arginine 622.
Molecular consequence: frameshift variant. On other transcripts: non-coding transcript variant (1).
Genome position (GRCh38, 1-based): chrX:41,347,406, C deleted; the last of 2 consecutive C bases (chrX:41,347,405-41,347,406); deleting either gives the same sequence. VCF-style (leftmost placement, unchanged base first): chrX-41347404-GC-G. GRCh37 (hg19) VCF-style: chrX-41206657-GC-G.
Other names: c.1861del, p.Arg621fs (NM_001193416.3); c.1816del, p.Arg606fs (NM_001193417.3); c.1303del, p.Arg435fs (NM_001363819.1); short protein forms R435fs, R621fs, R622fs, R606fs.
Identifiers: ClinVar variation 3838899 (VCV003838899.1).

ClinVar aggregate classification (germline): Likely pathogenic (1 of 4 stars; one submission).

Conditions:
Inborn genetic diseases. Identifiers: MedGen C0950123, MeSH D030342.

Submission:

Ambry Genetics
Classification: Likely pathogenic for Inborn genetic diseases. Last evaluated: 2025-03-12. Review status: criteria provided, single submitter. Criteria: Ambry Variant Classification Scheme 2023. Collection method: clinical testing. Allele origin: germline.
Comment: The c.1864delC (p.R622Afs*47) alteration, located in exon 16 (coding exon 16) of the DDX3X gene, consists of a deletion of one nucleotide at position 1864, causing a translational frameshift with a predicted alternate stop codon after 47 amino acids. This variant is not expected to trigger nonsense-mediated mRNA decay, and impacts the last 6% of the protein. However, premature stop codons are typically deleterious in nature. This variant was not reported in population-based cohorts in the Genome Aggregation Database (gnomAD). Based on the available evidence, this alteration is classified as likely pathogenic.